The following is an entry in ClinVar:

NM_001083962.2(TCF4):c.1495C>T (p.Pro499Ser)

Gene: TCF4 (transcription factor 4; minus strand). Cytogenetic location: 18q21.2.
Variant type: single nucleotide variant.
Coding change: c.1495C>T on transcript NM_001083962.2 (MANE Select); coding-DNA position 1495, C replaced by T.
Protein change: p.Pro499Ser; replaces proline 499 with serine.
Molecular consequence: missense variant.
Genome position (GRCh38, 1-based): chr18:55,232,663, G>A on the plus strand (C>T on the coding strand, the complement: TCF4 is on the minus strand). VCF-style: chr18-55232663-G-A. GRCh37 (hg19) VCF-style: chr18-52899894-G-A.
Other names: c.1801C>T, p.Pro601Ser (NM_001243226.3); c.1423C>T, p.Pro475Ser (NM_001243227.2, NM_001306207.1, NM_001369575.1 and 5 more transcripts); c.1513C>T, p.Pro505Ser (NM_001243228.2); c.1486C>T, p.Pro496Ser (NM_001243230.2); c.1369C>T, p.Pro457Ser (NM_001243231.2, NM_001348211.2); c.1282C>T, p.Pro428Ser (NM_001243232.1, NM_001306208.1); c.1105C>T, p.Pro369Ser (NM_001243233.2, NM_001330605.3, NM_001348212.2 and 1 more transcripts); c.1015C>T, p.Pro339Ser (NM_001243234.2, NM_001243235.2, NM_001243236.2 and 1 more transcripts); and 6 more; short protein forms P369S, P474S, P476S, P283S, P338S, P428S, P457S, P499S.
Identifiers: ClinVar variation 1355894 (VCV001355894.6), dbSNP rs1395053525, ClinGen allele CA402530255.

ClinVar aggregate classification (germline): Uncertain significance (1 of 4 stars; one submission).

Conditions:
Pitt-Hopkins syndrome (PTHS). Also called: ENCEPHALOPATHY, SEVERE EPILEPTIC, WITH AUTONOMIC DYSFUNCTION; MENTAL RETARDATION, SYNDROMAL, WITH INTERMITTENT HYPERVENTILATION. Identifiers: Orphanet 2896, MedGen C1970431, MONDO:0012589, OMIM 610954.

gnomAD v4.1: 1 of 1,613,994 alleles (0.000062%); highest among the groups gnomAD compares: Non-Finnish European, 0.000085%; no homozygotes.

Submission:

Labcorp Genetics (formerly Invitae), Labcorp
Classification: Uncertain significance for Pitt-Hopkins syndrome. Last evaluated: 2021-09-26. Review status: criteria provided, single submitter. Criteria: Invitae Variant Classification Sherloc (09022015). Collection method: clinical testing. Allele origin: germline.
Comment: In summary, the available evidence is currently insufficient to determine the role of this variant in disease. Therefore, it has been classified as a Variant of Uncertain Significance. Algorithms developed to predict the effect of missense changes on protein structure and function (SIFT, PolyPhen-2, Align-GVGD) all suggest that this variant is likely to be tolerated. This variant has not been reported in the literature in individuals affected with TCF4-related conditions. This variant is not present in population databases (ExAC no frequency). This sequence change replaces proline with serine at codon 499 of the TCF4 protein (p.Pro499Ser). The proline residue is weakly conserved and there is a moderate physicochemical difference between proline and serine.